The following is an entry in ClinVar:

ClinVar aggregate classification (germline): Likely benign. Review status: criteria provided, multiple submitters, no conflicts (2 of 4 stars). 3 submissions from 3 submitters: Likely benign (2). 1 of the submissions does not count toward it. Last evaluated 2026-01-12.

Conditions:
NFKB1-related disorder. Also called: NFKB1-related condition.

Allele frequency attached by ClinVar (database versions not stated): gnomAD 0.00004; gnomAD exomes 0.00004 and 0.00009; ExAC 0.00006; TOPMed 0.00006.
gnomAD v4.1: 135 of 1,586,966 alleles (0.0085%); highest among the groups gnomAD compares: Non-Finnish European, 0.011%; no homozygotes.

Submissions (3):

Labcorp Genetics (formerly Invitae), Labcorp
Classification: Likely benign. Last evaluated: 2026-01-12. Review status: criteria provided, single submitter. Criteria: Invitae Variant Classification Sherloc (09022015). Collection method: clinical testing. Allele origin: germline.

Blueprint Genetics
Classification: Likely benign. Last evaluated: 2023-12-28. Review status: criteria provided, single submitter. Criteria: ACMG Guidelines, 2015. Collection method: clinical testing. Allele origin: germline.

PreventionGenetics, part of Exact Sciences
Classification: Likely benign for NFKB1-related condition. Last evaluated: 2019-09-25. Review status: no assertion criteria provided. Collection method: clinical testing. Allele origin: germline. Not counted in ClinVar's aggregate classification.
Comment: This variant is classified as likely benign based on ACMG/AMP sequence variant interpretation guidelines (Richards et al. 2015 PMID: 25741868, with internal and published modifications).

NM_003998.4(NFKB1):c.1300+8A>G

Gene: NFKB1 (nuclear factor kappa B subunit 1; plus strand). Cytogenetic location: 4q24.
Variant type: single nucleotide variant.
Coding change: c.1300+8A>G on transcript NM_003998.4 (MANE Select); 8 bases into the intron after coding-DNA position 1300, A replaced by G.
Molecular consequence: intron variant.
Genome position (GRCh38, 1-based): chr4:102,594,989, A>G. VCF-style: chr4-102594989-A-G. GRCh37 (hg19) VCF-style: chr4-103516146-A-G.
Other names: c.1297+8A>G (NM_001165412.2, NM_001319226.2).
Identifiers: ClinVar variation 745577 (VCV000745577.10), dbSNP rs779946967, ClinGen allele CA3026116.